The following is an entry in ClinVar:

ClinVar aggregate classification (germline): Uncertain significance. Review status: criteria provided, multiple submitters, no conflicts (2 of 4 stars). 2 submissions from 2 submitters: Uncertain significance (2). Last evaluated 2017-03-10.

Conditions:
Pitt-Hopkins-like syndrome 2 (PTHSL2). Identifiers: Orphanet 221150, Orphanet 600663, MedGen C3280479, MONDO:0013690, OMIM 614325.
Chromosome 2p16.3 deletion syndrome. Identifiers: MedGen C3808494, MONDO:0013696, OMIM 614332.

Submissions (2):

Genetic Services Laboratory, University of Chicago
Classification: Uncertain significance. Last evaluated: 2017-03-10. Review status: criteria provided, single submitter. Criteria: ACMG Guidelines, 2015. Collection method: clinical testing. Allele origin: germline. Affected: no.

Juno Genomics, Hangzhou Juno Genomics, Inc
Classification: Uncertain significance for Chromosome 2p16.3 deletion syndrome; Pitt-Hopkins-like syndrome 2. Review status: criteria provided, single submitter. Criteria: ACMG Guidelines, 2015. Collection method: clinical testing. Allele origin: germline. Affected: yes.
Comment: Absent from controls (or at extremely low frequency if recessive) in Genome Aggregation Database, Exome Sequencing Project, 1000 Genomes Project, or Exome Aggregation Consortium.;Protein length changes due to in-frame deletions/insertions in a non-repeat region or stop-loss variants.

NM_001330078.2(NRXN1):c.656_664dup (p.Ala219_Glu221dup)

Gene: NRXN1 (neurexin 1; minus strand). Cytogenetic location: 2p16.3.
Variant type: Duplication.
Coding change: c.656_664dup on transcript NM_001330078.2 (MANE Select); coding-DNA positions 656 to 664, 9 bases duplicated (CGGGCGAGG; older notation c.656_664dupCGGGCGAGG).
Protein change: p.Ala219_Glu221dup.
Molecular consequence: inframe insertion.
Genome position (GRCh38, 1-based): chr2:51,027,610-51,027,618, CCTCGCCCG duplicated on the plus strand (CGGGCGAGG on the coding strand, the reverse complement: NRXN1 is on the minus strand); duplicating any 9 consecutive bases within chr2:51,027,610-51,027,624 gives the same sequence; the c. name uses the placement nearest the transcript's 3' end. VCF-style (leftmost placement, unchanged base first): chr2-51027609-T-TCCTCGCCCG. GRCh37 (hg19) VCF-style: chr2-51254747-T-TCCTCGCCCG.
Other names: c.656_664dup, p.Ala219_Glu221dup (NM_001135659.3, NM_001330077.2, NM_001330079.2 and 15 more transcripts).
Identifiers: ClinVar variation 436042 (VCV000436042.8), dbSNP rs546508545, ClinGen allele CA645372578.